The following is an entry in ClinVar:

ClinVar aggregate classification (germline): Uncertain significance. Review status: criteria provided, multiple submitters, no conflicts (2 of 4 stars). 2 submissions from 2 submitters: Uncertain significance (2). Last evaluated 2025-10-09.

Conditions:
Inborn genetic diseases. Identifiers: MedGen C0950123, MeSH D030342.

Allele frequency attached by ClinVar (database versions not stated): ExAC 0.00002; gnomAD exomes 0.00002 and 0.00005; TOPMed 0.00004; gnomAD 0.00005; ESP Exome Variant Server 0.00008.
gnomAD v4.1: 78 of 1,613,934 alleles (0.0048%); highest among the groups gnomAD compares: Middle Eastern, 0.016%; 1 homozygote.

Submissions (2):

Labcorp Genetics (formerly Invitae), Labcorp
Classification: Uncertain significance. Last evaluated: 2025-10-09. Review status: criteria provided, single submitter. Criteria: Invitae Variant Classification Sherloc (09022015). Collection method: clinical testing. Allele origin: germline.
Comment: This sequence change replaces arginine, which is basic and polar, with tryptophan, which is neutral and slightly polar, at codon 775 of the CSF2RB protein (p.Arg775Trp). This variant is present in population databases (rs375401270, gnomAD 0.004%). This variant has not been reported in the literature in individuals affected with CSF2RB-related conditions. ClinVar contains an entry for this variant (Variation ID: 1406683). Invitae Evidence Modeling of protein sequence and biophysical properties (such as structural, functional, and spatial information, amino acid conservation, physicochemical variation, residue mobility, and thermodynamic stability) indicates that this missense variant is not expected to disrupt CSF2RB protein function with a negative predictive value of 80%. In summary, the available evidence is currently insufficient to determine the role of this variant in disease. Therefore, it has been classified as a Variant of Uncertain Significance.

Ambry Genetics
Classification: Uncertain significance for Inborn genetic diseases. Last evaluated: 2023-12-28. Review status: criteria provided, single submitter. Criteria: Ambry Variant Classification Scheme 2023. Collection method: clinical testing. Allele origin: germline.

NM_000395.3(CSF2RB):c.2323C>T (p.Arg775Trp)

Gene: CSF2RB (colony stimulating factor 2 receptor subunit beta; plus strand). Cytogenetic location: 22q12.3.
Variant type: single nucleotide variant.
Coding change: c.2323C>T on transcript NM_000395.3 (MANE Select); coding-DNA position 2323, C replaced by T.
Protein change: p.Arg775Trp; replaces arginine 775 with tryptophan.
Molecular consequence: missense variant.
Genome position (GRCh38, 1-based): chr22:36,938,131, C>T. VCF-style: chr22-36938131-C-T. GRCh37 (hg19) VCF-style: chr22-37334173-C-T.
Other names: c.2323C>T (NM_000395.2); short protein forms R775W.
Identifiers: ClinVar variation 1406683 (VCV001406683.10), dbSNP rs375401270, ClinGen allele CA10214088.
Genomic context (GRCh38, chr22:36,938,131, plus strand): 5'-GCCCCAGGCCCTGTGAAGTCAGGGTTTGAGGGCTATGTGGAGCTCCCTCCAATTGAGGGC[C>T]GGTCCCCCAGGTCACCAAGGAACAATCCTGTCCCCCCTGAGGCCAAAAGCCCTGTCCTGA-3'
Protein context (NP_000386.1, residues 765-785): GYVELPPIEG[Arg775Trp]SPRSPRNNPV